The following is an entry in ClinVar:

ClinVar aggregate classification (germline): Uncertain significance (1 of 4 stars; one submission).

Conditions:
Inborn genetic diseases. Identifiers: MedGen C0950123, MeSH D030342.

Submission:

Ambry Genetics
Classification: Uncertain significance for Inborn genetic diseases. Last evaluated: 2025-05-26. Review status: criteria provided, single submitter. Criteria: Ambry Variant Classification Scheme 2023. Collection method: clinical testing. Allele origin: germline.
Comment: The p.C368S variant (also known as c.1102T>A), located in coding exon 5 of the PIK3CA gene, results from a T to A substitution at nucleotide position 1102. The cysteine at codon 368 is replaced by serine, an amino acid with dissimilar properties. This amino acid position is conserved. In addition, this alteration is predicted to be deleterious by in silico analysis. Based on the available evidence, the clinical significance of this variant remains unclear.

NM_006218.4(PIK3CA):c.1102T>A (p.Cys368Ser)

Gene: PIK3CA (phosphatidylinositol-4,5-bisphosphate 3-kinase catalytic subunit alpha; plus strand). Cytogenetic location: 3q26.32.
Variant type: single nucleotide variant.
Coding change: c.1102T>A on transcript NM_006218.4 (MANE Select); coding-DNA position 1102, T replaced by A.
Protein change: p.Cys368Ser; replaces cysteine 368 with serine.
Molecular consequence: missense variant.
Genome position (GRCh38, 1-based): chr3:179,204,545, T>A. VCF-style: chr3-179204545-T-A. GRCh37 (hg19) VCF-style: chr3-178922333-T-A.
Other names: short protein forms C368S.
Identifiers: ClinVar variation 3932412 (VCV003932412.1).